The following is an entry in ClinVar:

ClinVar aggregate classification (germline): Uncertain significance (1 of 4 stars; one submission).

Conditions:
Charcot-Marie-Tooth disease type 2. Also called: Charcot-Marie-Tooth type 2. Identifiers: Orphanet 64746, MedGen C0270914, MONDO:0018993.

Submission:

Labcorp Genetics (formerly Invitae), Labcorp
Classification: Uncertain significance for Charcot-Marie-Tooth disease type 2. Last evaluated: 2021-11-24. Review status: criteria provided, single submitter. Criteria: Invitae Variant Classification Sherloc (09022015). Collection method: clinical testing. Allele origin: germline.
Comment: In summary, the available evidence is currently insufficient to determine the role of this variant in disease. Therefore, it has been classified as a Variant of Uncertain Significance. Algorithms developed to predict the effect of missense changes on protein structure and function (SIFT, PolyPhen-2, Align-GVGD) all suggest that this variant is likely to be tolerated. This variant has not been reported in the literature in individuals affected with GARS-related conditions. This variant is not present in population databases (gnomAD no frequency). This sequence change replaces aspartic acid, which is acidic and polar, with glutamic acid, which is acidic and polar, at codon 116 of the GARS protein (p.Asp116Glu).

NM_002047.4(GARS1):c.348T>G (p.Asp116Glu)

Gene: GARS1 (glycyl-tRNA synthetase 1; plus strand). Cytogenetic location: 7p14.3.
Variant type: single nucleotide variant.
Coding change: c.348T>G on transcript NM_002047.4 (MANE Select); coding-DNA position 348, T replaced by G.
Protein change: p.Asp116Glu; replaces aspartic acid 116 with glutamic acid.
Molecular consequence: missense variant.
Genome position (GRCh38, 1-based): chr7:30,599,970, T>G. VCF-style: chr7-30599970-T-G. GRCh37 (hg19) VCF-style: chr7-30639586-T-G.
Other names: c.186T>G, p.Asp62Glu (NM_001316772.1); short protein forms D116E, D62E.
Identifiers: ClinVar variation 1680891 (VCV001680891.6), dbSNP rs2128132552, ClinGen allele CA367139122.